The following is an entry in ClinVar:

ClinVar aggregate classification (germline): Benign/Likely benign. Review status: criteria provided, multiple submitters, no conflicts (2 of 4 stars). 8 submissions from 8 submitters: Benign (5); Likely benign (2). 1 of the submissions does not count toward it. Last evaluated 2026-02-04.

Conditions:
Abetalipoproteinaemia (ABL). Also called: Abetalipoproteinemia; Abetalipoproteinemia neuropathy; Apolipoprotein B deficiency; Congenital betalipoprotein deficiency syndrome; MTP DEFICIENCY. Identifiers: Orphanet 14, MedGen C0000744, MONDO:0008692, OMIM 200100, HP:0008181.

Allele frequency attached by ClinVar (database versions not stated): gnomAD exomes 0.04431 and 0.05817; ExAC 0.05976; gnomAD 0.08234 and 0.08314; ESP Exome Variant Server 0.08565; TOPMed 0.08926; 1000 Genomes Project 30x 0.11368; 1000 Genomes Project 0.11442.
gnomAD v4.1: 74,795 of 1,545,556 alleles (4.8%); highest among the groups gnomAD compares: East Asian, 21%; 3,259 homozygotes.

Submissions (14):

Labcorp Genetics (formerly Invitae), Labcorp
Classification: Benign. Last evaluated: 2026-02-04. Review status: criteria provided, single submitter. Criteria: Invitae Variant Classification Sherloc (09022015). Collection method: clinical testing. Allele origin: germline.

Blueprint Genetics
Classification: Benign. Last evaluated: 2024-11-26. Review status: criteria provided, single submitter. Criteria: ACMG Guidelines, 2015. Collection method: clinical testing. Allele origin: germline.

Women's Health and Genetics/Laboratory Corporation of America, LabCorp
Classification: Likely benign. Last evaluated: 2019-09-19. Review status: criteria provided, single submitter. Criteria: LabCorp Variant Classification Summary - May 2015. Collection method: clinical testing. Allele origin: germline.

GeneDx
Classification: Benign. Last evaluated: 2018-08-30. Review status: criteria provided, single submitter. Criteria: GeneDx Variant Classification Process June 2021. Collection method: clinical testing. Allele origin: germline. Affected: yes.
Comment: This variant is associated with the following publications: (PMID: 28008009, 33111339)

Illumina Laboratory Services, Illumina
Classification: Benign for Abetalipoproteinaemia. Last evaluated: 2018-01-12. Review status: criteria provided, single submitter. Criteria: ICSL Variant Classification Criteria 13 December 2019. Collection method: clinical testing. Allele origin: germline.
Comment: This variant was observed in the ICSL laboratory as part of a predisposition screen in an ostensibly healthy population. It had not been previously curated by ICSL or reported in the Human Gene Mutation Database (HGMD: prior to June 1st, 2018), and was therefore a candidate for classification through an automated scoring system. Utilizing variant allele frequency, disease prevalence and penetrance estimates, and inheritance mode, an automated score was calculated to assess if this variant is too frequent to cause the disease. Based on the score and internal cut-off values, a variant classified as benign is not then subjected to further curation. The score for this variant resulted in a classification of benign for this disease.

Mayo Clinic Laboratories, Mayo Clinic
Classification: Benign. Last evaluated: 2017-07-25. Review status: criteria provided, single submitter. Criteria: ACMG Guidelines, 2015. Collection method: clinical testing. Allele origin: germline. Observed: 161 variant alleles.

Breakthrough Genomics
Classification: Likely benign. Review status: criteria provided, single submitter. Criteria: ACMG Guidelines, 2015. Collection method: not provided. Allele origin: germline. Inheritance: Autosomal recessive inheritance. Affected: yes.

Natera, Inc.
Classification: Benign for Abetalipoproteinemia. Last evaluated: 2019-11-21. Review status: no assertion criteria provided. Collection method: clinical testing. Allele origin: germline. Not counted in ClinVar's aggregate classification.

Dr. Peter K. Rogan Lab, Western University
No classification provided (evidence only). Condition: Acute myeloid leukemia. Review status: no classification provided. Collection method: in vitro. Allele origin: not applicable. Functional consequence: retained intron. Not counted in ClinVar's aggregate classification.

Dr. Peter K. Rogan Lab, Western University
No classification provided (evidence only). Condition: Colorectal cancer. Review status: no classification provided. Collection method: in vitro. Allele origin: not applicable. Functional consequence: skipped exon, retained intron. Not counted in ClinVar's aggregate classification.

Dr. Peter K. Rogan Lab, Western University
No classification provided (evidence only). Condition: Colorectal cancer. Review status: no classification provided. Collection method: in vitro. Allele origin: not applicable. Functional consequence: retained intron. Not counted in ClinVar's aggregate classification.

Dr. Peter K. Rogan Lab, Western University
No classification provided (evidence only). Condition: Thymoma. Review status: no classification provided. Collection method: in vitro. Allele origin: not applicable. Functional consequence: retained intron. Not counted in ClinVar's aggregate classification.

Dr. Peter K. Rogan Lab, Western University
No classification provided (evidence only). Condition: Thymoma. Review status: no classification provided. Collection method: in vitro. Allele origin: not applicable. Functional consequence: retained intron. Not counted in ClinVar's aggregate classification.

Dr. Peter K. Rogan Lab, Western University
No classification provided (evidence only). Condition: Cholangiocarcinoma. Review status: no classification provided. Collection method: in vitro. Allele origin: not applicable. Functional consequence: skipped exon, retained intron. Not counted in ClinVar's aggregate classification.

NM_001386140.1(MTTP):c.497A>G (p.Asn166Ser)

Gene: MTTP (microsomal triglyceride transfer protein; plus strand). Cytogenetic location: 4q23.
Variant type: single nucleotide variant.
Coding change: c.497A>G on transcript NM_001386140.1 (MANE Select); coding-DNA position 497, A replaced by G.
Protein change: p.Asn166Ser; replaces asparagine 166 with serine.
Molecular consequence: missense variant.
Genome position (GRCh38, 1-based): chr4:99,589,746, A>G. VCF-style: chr4-99589746-A-G. GRCh37 (hg19) VCF-style: chr4-100510903-A-G.
Other names: c.497A>G, p.Asn166Ser (NM_000253.4); c.248A>G, p.Asn83Ser (NM_001300785.2); short protein forms N166S, N83S.
Identifiers: ClinVar variation 347024 (VCV000347024.21), dbSNP rs3792683, ClinGen allele CA3021858.